The following is an entry in ClinVar:

ClinVar aggregate classification (germline): Benign/Likely benign. Review status: criteria provided, multiple submitters, no conflicts (2 of 4 stars). 6 submissions from 6 submitters: Benign (2); Likely benign (3). 1 of the submissions does not count toward it. Last evaluated 2025-12-18.

Conditions:
TMC1-related disorder. Also called: TMC1-related disorders; TMC1-related condition.

Allele frequency attached by ClinVar (database versions not stated): gnomAD exomes 0.00026 and 0.00065; ExAC 0.00073; 1000 Genomes Project 0.00100; 1000 Genomes Project 30x 0.00141; ESP Exome Variant Server 0.00264; gnomAD 0.00281 and 0.00308; TOPMed 0.00317.

Submissions (6):

Labcorp Genetics (formerly Invitae), Labcorp
Classification: Likely benign. Last evaluated: 2025-12-18. Review status: criteria provided, single submitter. Criteria: Invitae Variant Classification Sherloc (09022015). Collection method: clinical testing. Allele origin: germline.

CeGaT Center for Human Genetics Tuebingen
Classification: Likely benign. Last evaluated: 2025-09-01. Review status: criteria provided, single submitter. Criteria: CeGaT Center For Human Genetics Tuebingen Variant Classification Criteria Version 2. Collection method: clinical testing. Allele origin: germline. Affected: yes. Observed: 1 variant allele.
Comment: TMC1: BP4, BS2

Blueprint Genetics
Classification: Likely benign. Last evaluated: 2024-09-09. Review status: criteria provided, single submitter. Criteria: ACMG Guidelines, 2015. Collection method: clinical testing. Allele origin: germline.

GeneDx
Classification: Benign. Last evaluated: 2019-12-24. Review status: criteria provided, single submitter. Criteria: GeneDx Variant Classification Process June 2021. Collection method: clinical testing. Allele origin: germline. Affected: yes.

Laboratory for Molecular Medicine, Mass General Brigham Personalized Medicine
Classification: Benign. Last evaluated: 2016-02-21. Review status: criteria provided, single submitter. Criteria: LMM Criteria. Collection method: clinical testing. Allele origin: germline. Observed: 2 variant alleles.
Comment: c.2260+3_2260+5delTGG in intron 23 of TMC1: This variant is not expected to have clinical significance because it has been identified in 0.8% (86/10328) of Afri can chromosomes by the Exome Aggregation Consortium (ExAC; dbSNP rs546307383). In addition, computational tools do not predict a n impact to splicing.

PreventionGenetics, part of Exact Sciences
Classification: Benign for TMC1-related condition. Last evaluated: 2020-02-05. Review status: no assertion criteria provided. Collection method: clinical testing. Allele origin: germline. Not counted in ClinVar's aggregate classification.
Comment: This variant is classified as benign based on ACMG/AMP sequence variant interpretation guidelines (Richards et al. 2015 PMID: 25741868, with internal and published modifications).

NM_138691.3(TMC1):c.2260+3_2260+5del

Gene: TMC1 (transmembrane channel like 1; plus strand). Cytogenetic location: 9q21.13.
Variant type: Deletion.
Coding change: c.2260+3_2260+5del on transcript NM_138691.3 (MANE Select); bases 3 to 5 of the intron after coding-DNA position 2260, 3 bases deleted (TGG; older notation c.2260+3_2260+5delTGG).
Molecular consequence: intron variant.
Genome position (GRCh38, 1-based): chr9:72,830,685-72,830,687, TGG deleted. VCF-style (leftmost placement, unchanged base first): chr9-72830684-TTGG-T. GRCh37 (hg19) VCF-style: chr9-75445600-TTGG-T.
Other names: c.2260+3_2260+5delTGG (NM_138691.2).
Identifiers: ClinVar variation 227099 (VCV000227099.27), dbSNP rs546307383, ClinGen allele CA5082206.